The following is an entry in ClinVar:

NM_001876.4(CPT1A):c.2260C>A (p.Leu754Met)

Gene: CPT1A (carnitine palmitoyltransferase 1A; minus strand). Cytogenetic location: 11q13.3.
Variant type: single nucleotide variant.
Coding change: c.2260C>A on transcript NM_001876.4 (MANE Select); coding-DNA position 2260, C replaced by A.
Protein change: p.Leu754Met; replaces leucine 754 with methionine.
Molecular consequence: missense variant. On other transcripts: intron variant (1).
Genome position (GRCh38, 1-based): chr11:68,757,706, G>T on the plus strand (C>A on the coding strand, the complement: CPT1A is on the minus strand). VCF-style: chr11-68757706-G-T. GRCh37 (hg19) VCF-style: chr11-68525174-G-T.
Other names: c.2235+1863C>A (NM_001031847.3); c.2260C>A (NM_001876.3); short protein forms L754M.
Identifiers: ClinVar variation 1981425 (VCV001981425.5), dbSNP rs144781827, ClinGen allele CA381624825.

ClinVar aggregate classification (germline): Uncertain significance. Review status: criteria provided, multiple submitters, no conflicts (2 of 4 stars). 2 submissions from 2 submitters: Uncertain significance (2). Last evaluated 2026-07-24.

Conditions:
CPT1A-related disorder. Also called: CPT1A-related condition.
Carnitine palmitoyl transferase 1A deficiency. Also called: CPT deficiency, hepatic, type IA; Carnitine palmitoyltransferase 1A deficiency; CPT I DEFICIENCY; CPT DEFICIENCY, HEPATIC, TYPE I; Carnitine palmitoyltransferase type I deficiency. Identifiers: Orphanet 156, MedGen C1829703, MONDO:0009705, OMIM 255120.

Submissions (2):

PreventionGenetics, part of Exact Sciences
Classification: Uncertain significance for CPT1A-related condition. Last evaluated: 2026-07-24. Review status: criteria provided, single submitter. Criteria: ACMG Guidelines, 2015. Collection method: clinical testing. Allele origin: germline.
Comment: The CPT1A c.2260C>A variant is predicted to result in the amino acid substitution p.Leu754Met. To our knowledge, this variant has not been reported in the literature or in a large population database (gnomAD), indicating this variant is rare. At this time, the clinical significance of this variant is uncertain due to the absence of conclusive functional and genetic evidence.

Labcorp Genetics (formerly Invitae), Labcorp
Classification: Uncertain significance for Carnitine palmitoyl transferase 1A deficiency. Last evaluated: 2022-11-08. Review status: criteria provided, single submitter. Criteria: Invitae Variant Classification Sherloc (09022015). Collection method: clinical testing. Allele origin: germline.
Comment: This variant is not present in population databases (gnomAD no frequency). In summary, the available evidence is currently insufficient to determine the role of this variant in disease. Therefore, it has been classified as a Variant of Uncertain Significance. Advanced modeling of protein sequence and biophysical properties (such as structural, functional, and spatial information, amino acid conservation, physicochemical variation, residue mobility, and thermodynamic stability) performed at Invitae indicates that this missense variant is not expected to disrupt CPT1A protein function. This variant has not been reported in the literature in individuals affected with CPT1A-related conditions. This sequence change replaces leucine, which is neutral and non-polar, with methionine, which is neutral and non-polar, at codon 754 of the CPT1A protein (p.Leu754Met).